The following is an entry in ClinVar:

NM_004444.5(EPHB4):c.1344C>G (p.Ser448Arg)

Gene: EPHB4 (EPH receptor B4; minus strand). Cytogenetic location: 7q22.1.
Variant type: single nucleotide variant.
Coding change: c.1344C>G on transcript NM_004444.5 (MANE Select); coding-DNA position 1344, C replaced by G.
Protein change: p.Ser448Arg; replaces serine 448 with arginine.
Molecular consequence: missense variant.
Genome position (GRCh38, 1-based): chr7:100,818,598, G>C on the plus strand (C>G on the coding strand, the complement: EPHB4 is on the minus strand). VCF-style: chr7-100818598-G-C. GRCh37 (hg19) VCF-style: chr7-100416220-G-C.
Other names: short protein forms S448R.
Identifiers: ClinVar variation 3275986 (VCV003275986.1).
Genomic context (GRCh38, chr7:100,818,598, plus strand): 5'-CTCGTAGTCCAGCACAGCCCCACTGGGTGCCCGGGGAACAGCCCAGGCCAGGCTCAAGCT[G>C]CTGGGTGAGGACCGCGTCACCCGGATGTCAGACACTGCAGGAGGTACTGTGAGAGGCAGA-3'
Protein context (NP_004435.3, residues 438-458): SDIRVTRSSP[Ser448Arg]SLSLAWAVPR

ClinVar aggregate classification (germline): Uncertain significance (1 of 4 stars; one submission).

Conditions:
Cardiovascular phenotype. Identifiers: MedGen CN230736.

Submission:

Ambry Genetics
Classification: Uncertain significance for Cardiovascular phenotype. Last evaluated: 2024-05-17. Review status: criteria provided, single submitter. Criteria: Ambry Variant Classification Scheme 2023. Collection method: clinical testing. Allele origin: germline.
Comment: The p.S448R variant (also known as c.1344C>G), located in coding exon 7 of the EPHB4 gene, results from a C to G substitution at nucleotide position 1344. The serine at codon 448 is replaced by arginine, an amino acid with dissimilar properties. This amino acid position is conserved. In addition, the in silico prediction for this alteration is inconclusive. Based on the available evidence, the clinical significance of this variant remains unclear.